The following is an entry in ClinVar:

ClinVar aggregate classification (germline): Uncertain significance (1 of 4 stars; one submission).

Conditions:
Lysinuric protein intolerance (LPI). Identifiers: Orphanet 470, MedGen C0268647, MONDO:0009109, OMIM 222700.

Allele frequency attached by ClinVar (database versions not stated): ExAC 0.00001; gnomAD 0.00001; gnomAD exomes 0.00001.
gnomAD v4.1: 9 of 1,614,102 alleles (0.00056%); highest among the groups gnomAD compares: East Asian, 0.0022%; no homozygotes.

Submission:

Labcorp Genetics (formerly Invitae), Labcorp
Classification: Uncertain significance for Lysinuric protein intolerance. Last evaluated: 2022-08-02. Review status: criteria provided, single submitter. Criteria: Invitae Variant Classification Sherloc (09022015). Collection method: clinical testing. Allele origin: germline.
Comment: This sequence change replaces asparagine, which is neutral and polar, with serine, which is neutral and polar, at codon 325 of the SLC7A7 protein (p.Asn325Ser). This variant is present in population databases (rs758598526, gnomAD 0.002%). This variant has not been reported in the literature in individuals affected with SLC7A7-related conditions. Algorithms developed to predict the effect of missense changes on protein structure and function are either unavailable or do not agree on the potential impact of this missense change (SIFT: "Tolerated"; PolyPhen-2: "Probably Damaging"; Align-GVGD: "Class C0"). In summary, the available evidence is currently insufficient to determine the role of this variant in disease. Therefore, it has been classified as a Variant of Uncertain Significance.

NM_003982.4(SLC7A7):c.974A>G (p.Asn325Ser)

Gene: SLC7A7 (solute carrier family 7 member 7; minus strand). Cytogenetic location: 14q11.2.
Variant type: single nucleotide variant.
Coding change: c.974A>G on transcript NM_003982.4 (MANE Select); coding-DNA position 974, A replaced by G.
Protein change: p.Asn325Ser; replaces asparagine 325 with serine.
Molecular consequence: missense variant.
Genome position (GRCh38, 1-based): chr14:22,775,857, T>C on the plus strand (A>G on the coding strand, the complement: SLC7A7 is on the minus strand). VCF-style: chr14-22775857-T-C. GRCh37 (hg19) VCF-style: chr14-23245066-T-C.
Other names: c.974A>G, p.Asn325Ser (NM_001126105.3, NM_001126106.4); short protein forms N325S.
Identifiers: ClinVar variation 1989491 (VCV001989491.1), dbSNP rs758598526, ClinGen allele CA7104532.